The following is an entry in ClinVar:

ClinVar aggregate classification (germline): Uncertain significance (1 of 4 stars; one submission).

Allele frequency attached by ClinVar (database versions not stated): gnomAD exomes 0.00001; TOPMed 0.00001; gnomAD 0.00002.
gnomAD v4.1: 10 of 1,209,620 alleles (0.00083%); highest among the groups gnomAD compares: South Asian, 0.0018%; no homozygotes.

Submission:

Labcorp Genetics (formerly Invitae), Labcorp
Classification: Uncertain significance. Last evaluated: 2024-06-16. Review status: criteria provided, single submitter. Criteria: Invitae Variant Classification Sherloc (09022015). Collection method: clinical testing. Allele origin: germline.
Comment: This sequence change replaces arginine, which is basic and polar, with glutamine, which is neutral and polar, at codon 322 of the NEXMIF protein (p.Arg322Gln). This variant is present in population databases (no rsID available, gnomAD 0.02%), including at least one homozygous and/or hemizygous individual. This variant has not been reported in the literature in individuals affected with NEXMIF-related conditions. ClinVar contains an entry for this variant (Variation ID: 1509510). An algorithm developed to predict the effect of missense changes on protein structure and function (PolyPhen-2) suggests that this variant is likely to be disruptive. In summary, the available evidence is currently insufficient to determine the role of this variant in disease. Therefore, it has been classified as a Variant of Uncertain Significance.

NM_001008537.3(NEXMIF):c.965G>A (p.Arg322Gln)

Gene: NEXMIF (neurite extension and migration factor; minus strand). Cytogenetic location: Xq13.3.
Variant type: single nucleotide variant.
Coding change: c.965G>A on transcript NM_001008537.3 (MANE Select); coding-DNA position 965, G replaced by A.
Protein change: p.Arg322Gln; replaces arginine 322 with glutamine.
Molecular consequence: missense variant.
Genome position (GRCh38, 1-based): chrX:74,743,592, C>T on the plus strand (G>A on the coding strand, the complement: NEXMIF is on the minus strand). VCF-style: chrX-74743592-C-T. GRCh37 (hg19) VCF-style: chrX-73963427-C-T.
Other names: short protein forms R322Q.
Identifiers: ClinVar variation 1509510 (VCV001509510.8), dbSNP rs1220337073, ClinGen allele CA413671962.
Genomic context (GRCh38, chrX:74,743,592, plus strand): 5'-AAGACGCTGGGAAAAAAGTTGAATTGGGCATCTTCCTGCATCAAAAGAGTAGTCTTGTCT[C>T]GAACATTGTCCTGAAAGGATTCATATCGAATTTTCAGGGAGCAGACATCACTGCCTAGTG-3'
Protein context (NP_001008537.1, residues 312-332): IRYESFQDNV[Arg322Gln]DKTTLLMQED